The following is an entry in ClinVar:

NM_152328.5(ADSS1):c.193-5123T>G

Gene: ADSS1 (adenylosuccinate synthase 1; plus strand). Cytogenetic location: 14q32.33.
Variant type: single nucleotide variant.
Coding change: c.193-5123T>G on transcript NM_152328.5 (MANE Select); 5123 bases into the intron before coding-DNA position 193, T replaced by G.
Molecular consequence: intron variant. On other transcripts: 5 prime UTR variant (1), missense variant (1).
Genome position (GRCh38, 1-based): chr14:104,729,897, T>G. VCF-style: chr14-104729897-T-G. GRCh37 (hg19) VCF-style: chr14-105196234-T-G.
Other names: c.-723T>G (NM_001320424.1); c.5T>G, p.Val2Gly (NM_199165.2); short protein forms V2G.
Identifiers: ClinVar variation 1681875 (VCV001681875.6), dbSNP rs1468042465, ClinGen allele CA391232281.

ClinVar aggregate classification (germline): Uncertain significance (1 of 4 stars; one submission).

Submission:

Labcorp Genetics (formerly Invitae), Labcorp
Classification: Uncertain significance. Last evaluated: 2021-11-05. Review status: criteria provided, single submitter. Criteria: Invitae Variant Classification Sherloc (09022015). Collection method: clinical testing. Allele origin: germline.
Comment: In summary, the available evidence is currently insufficient to determine the role of this variant in disease. Therefore, it has been classified as a Variant of Uncertain Significance. This sequence change replaces valine, which is neutral and non-polar, with glycine, which is neutral and non-polar, at codon 2 of the ADSSL1 protein (p.Val2Gly). This variant is not present in population databases (gnomAD no frequency). This variant has not been reported in the literature in individuals affected with ADSSL1-related conditions. Experimental studies and prediction algorithms are not available or were not evaluated, and the functional significance of this variant is currently unknown.